The following is an entry in ClinVar:

NM_001142864.4(PIEZO1):c.3238G>A (p.Ala1080Thr)

Gene: PIEZO1 (piezo type mechanosensitive ion channel component 1 (Er blood group); minus strand). Cytogenetic location: 16q24.3.
Variant type: single nucleotide variant.
Coding change: c.3238G>A on transcript NM_001142864.4 (MANE Select); coding-DNA position 3238, G replaced by A.
Protein change: p.Ala1080Thr; replaces alanine 1080 with threonine.
Molecular consequence: missense variant.
Genome position (GRCh38, 1-based): chr16:88,727,620, C>T on the plus strand (G>A on the coding strand, the complement: PIEZO1 is on the minus strand). VCF-style: chr16-88727620-C-T. GRCh37 (hg19) VCF-style: chr16-88794028-C-T.
Other names: c.3238G>A (NM_001142864.2); short protein forms A1080T.
Identifiers: ClinVar variation 3681727 (VCV003681727.3).

ClinVar aggregate classification (germline): Uncertain significance. Review status: criteria provided, multiple submitters, no conflicts (2 of 4 stars). 2 submissions from 2 submitters: Uncertain significance (2). Last evaluated 2025-08-05.

Conditions:
Inborn genetic diseases. Identifiers: MedGen C0950123, MeSH D030342.

gnomAD v4.1: 21 of 1,524,204 alleles (0.0014%); highest among the groups gnomAD compares: South Asian, 0.0049%; no homozygotes.

Submissions (2):

Ambry Genetics
Classification: Uncertain significance for Inborn genetic diseases. Last evaluated: 2025-08-05. Review status: criteria provided, single submitter. Criteria: Ambry Variant Classification Scheme 2023. Collection method: clinical testing. Allele origin: germline.

Labcorp Genetics (formerly Invitae), Labcorp
Classification: Uncertain significance. Last evaluated: 2025-01-14. Review status: criteria provided, single submitter. Criteria: Invitae Variant Classification Sherloc (09022015). Collection method: clinical testing. Allele origin: germline.
Comment: This sequence change replaces alanine, which is neutral and non-polar, with threonine, which is neutral and polar, at codon 1080 of the PIEZO1 protein (p.Ala1080Thr). The frequency data for this variant in the population databases is considered unreliable, as metrics indicate poor data quality at this position in the gnomAD database. This variant has not been reported in the literature in individuals affected with PIEZO1-related conditions. Invitae Evidence Modeling of protein sequence and biophysical properties (such as structural, functional, and spatial information, amino acid conservation, physicochemical variation, residue mobility, and thermodynamic stability) indicates that this missense variant is not expected to disrupt PIEZO1 protein function with a negative predictive value of 80%. In summary, the available evidence is currently insufficient to determine the role of this variant in disease. Therefore, it has been classified as a Variant of Uncertain Significance.